The following is an entry in ClinVar:

NM_022552.5(DNMT3A):c.1475-4C>G

Gene: DNMT3A (DNA methyltransferase 3 alpha; minus strand). Cytogenetic location: 2p23.3.
Variant type: single nucleotide variant.
Coding change: c.1475-4C>G on transcript NM_022552.5 (MANE Select); 4 bases into the intron before coding-DNA position 1475, C replaced by G.
Molecular consequence: intron variant.
Genome position (GRCh38, 1-based): chr2:25,245,336, G>C on the plus strand (C>G on the coding strand, the complement: DNMT3A is on the minus strand). VCF-style: chr2-25245336-G-C. GRCh37 (hg19) VCF-style: chr2-25468205-G-C.
Other names: c.1475-4C>G (NM_175629.2); c.908-4C>G (NM_153759.3); c.1019-4C>G (NM_001320893.1); c.806-4C>G (NM_001375819.1).
Identifiers: ClinVar variation 2180370 (VCV002180370.6), dbSNP rs369744889, ClinGen allele CA1555987.

ClinVar aggregate classification (germline): Likely benign. Review status: criteria provided, single submitter (1 of 4 stars). 2 submissions from 2 submitters: Likely benign (1). 1 of the submissions does not count toward it. Last evaluated 2024-10-23.

Conditions:
DNMT3A-related disorder. Also called: DNMT3A-related disorders; DNMT3A-related condition.
Tatton-Brown-Rahman overgrowth syndrome. Also called: Tatton-Brown-Rahman syndrome; Tall stature-intellectual disability-facial dysmorphism syndrome. Identifiers: Orphanet 404443, MedGen C4014545, MONDO:0014382, OMIM 615879.

Allele frequency attached by ClinVar (database versions not stated): gnomAD 0.00001; TOPMed 0.00001; ExAC 0.00002; ESP Exome Variant Server 0.00008.
gnomAD v4.1: 19 of 1,613,548 alleles (0.0012%); highest among the groups gnomAD compares: Non-Finnish European, 0.0015%; no homozygotes.

Submissions (2):

Labcorp Genetics (formerly Invitae), Labcorp
Classification: Likely benign for Tatton-Brown-Rahman overgrowth syndrome. Last evaluated: 2024-10-23. Review status: criteria provided, single submitter. Criteria: Invitae Variant Classification Sherloc (09022015). Collection method: clinical testing. Allele origin: germline.

PreventionGenetics, part of Exact Sciences
Classification: Likely benign for DNMT3A-related condition. Last evaluated: 2022-01-12. Review status: no assertion criteria provided. Collection method: clinical testing. Allele origin: germline. Not counted in ClinVar's aggregate classification.
Comment: This variant is classified as likely benign based on ACMG/AMP sequence variant interpretation guidelines (Richards et al. 2015 PMID: 25741868, with internal and published modifications).